The following is an entry in ClinVar:

ClinVar aggregate classification (germline): Uncertain significance (1 of 4 stars; one submission).

Submission:

GeneDx
Classification: Uncertain significance. Last evaluated: 2024-04-22. Review status: criteria provided, single submitter. Criteria: GeneDx Variant Classification Process June 2021. Collection method: clinical testing. Allele origin: germline. Affected: yes.
Comment: Not observed at significant frequency in large population cohorts (gnomAD); In silico analysis indicates that this missense variant does not alter protein structure/function; Has not been previously published as pathogenic or benign to our knowledge

NM_001083619.3(GRIA2):c.1595A>G (p.Lys532Arg)

Gene: GRIA2 (glutamate ionotropic receptor AMPA type subunit 2; plus strand). Cytogenetic location: 4q32.1.
Variant type: single nucleotide variant.
Coding change: c.1595A>G on transcript NM_001083619.3 (MANE Select); coding-DNA position 1595, A replaced by G.
Protein change: p.Lys532Arg; replaces lysine 532 with arginine.
Molecular consequence: missense variant.
Genome position (GRCh38, 1-based): chr4:157,336,498, A>G. VCF-style: chr4-157336498-A-G. GRCh37 (hg19) VCF-style: chr4-158257650-A-G.
Other names: c.1595A>G, p.Lys532Arg (NM_000826.6); c.1454A>G, p.Lys485Arg (NM_001083620.3, NM_001379000.3, NM_001379001.3); short protein forms K485R, K532R.
Identifiers: ClinVar variation 3372717 (VCV003372717.1).